The following is an entry in ClinVar:

NM_000138.5(FBN1):c.7870A>G (p.Asn2624Asp)

Gene: FBN1 (fibrillin 1; minus strand). Cytogenetic location: 15q21.1.
Variant type: single nucleotide variant.
Coding change: c.7870A>G on transcript NM_000138.5 (MANE Select); coding-DNA position 7870, A replaced by G.
Protein change: p.Asn2624Asp; replaces asparagine 2624 with aspartic acid.
Molecular consequence: missense variant.
Genome position (GRCh38, 1-based): chr15:48,415,717, T>C on the plus strand (A>G on the coding strand, the complement: FBN1 is on the minus strand). VCF-style: chr15-48415717-T-C. GRCh37 (hg19) VCF-style: chr15-48707914-T-C.
Other names: c.7870A>G, p.Asn2624Asp (NM_001406716.1); short protein forms N2624D.
Identifiers: ClinVar variation 4277387 (VCV004277387.1).

ClinVar aggregate classification (germline): Likely pathogenic (1 of 4 stars; one submission).

Conditions:
Marfan syndrome (MFS). Also called: MARFAN SYNDROME, TYPE I; Marfan syndrome type 1; Marfan's syndrome; Marfan syndrome, classic; FBN1-Related Marfan Syndrome. Identifiers: Orphanet 284963, Orphanet 558, MedGen C0024796, MONDO:0007947, OMIM 154700.

Submission:

Centro de Genética y Biología Molecular, Universidad de San Martín de Porres
Classification: Likely pathogenic for Marfan syndrome. Last evaluated: 2025-01-20. Review status: criteria provided, single submitter. Criteria: ACMG Guidelines, 2015. Collection method: research. Allele origin: unknown. Inheritance: Autosomal dominant inheritance. Affected: yes.
Comment: The variant position changes from Alanine to other aminoacids like Ilesoleucin, or Serine or Lys and those are Pathogenic variants. In this case, it changes from Ala to Aspartic acid (fron neutral , hydrophobic ) to acid and polar